The following is an entry in ClinVar:

ClinVar aggregate classification (germline): Uncertain significance (1 of 4 stars; one submission).

Conditions:
Autism spectrum disorder due to AUTS2 deficiency (MRD26). Also called: INTELLECTUAL DEVELOPMENTAL DISORDER, AUTOSOMAL DOMINANT 26. Identifiers: Orphanet 352490, MedGen C4014435, MONDO:0014361, OMIM 615834.

Allele frequency attached by ClinVar (database versions not stated): gnomAD exomes below 0.00001.
gnomAD v4.1: 4 of 1,608,250 alleles (0.00025%); highest among the groups gnomAD compares: South Asian, 0.0011%; no homozygotes.

Submission:

New York Genome Center
Classification: Uncertain significance for Autism spectrum disorder due to AUTS2 deficiency. Last evaluated: 2021-08-13. Review status: criteria provided, single submitter. Criteria: NYGC Assertion Criteria 2020. Collection method: clinical testing. Allele origin: germline. Observed: 1 heterozygote. Study: CSER-NYCKidSeq.
Comment: The missense variant c.1712T>C, p.Val571Ala identified in the AUTS2 gene has not been reported in individuals with AUTS2-related disorder. This variant is absent in gnomAD v3.1.1 suggesting it is not a common benign variant in the populations represented in this database. In silico algorithms predict a deleterious effect. Based on the available evidence, missense variant c.1712T>C, p.Val571Ala in the AUTS2 gene is classified as a variant of uncertain significance.

NM_015570.4(AUTS2):c.1712T>C (p.Val571Ala)

Gene: AUTS2 (activator of transcription and developmental regulator AUTS2; plus strand). Cytogenetic location: 7q11.22.
Variant type: single nucleotide variant.
Coding change: c.1712T>C on transcript NM_015570.4 (MANE Select); coding-DNA position 1712, T replaced by C.
Protein change: p.Val571Ala; replaces valine 571 with alanine.
Molecular consequence: missense variant.
Genome position (GRCh38, 1-based): chr7:70,768,046, T>C. VCF-style: chr7-70768046-T-C. GRCh37 (hg19) VCF-style: chr7-70233032-T-C.
Other names: c.1712T>C, p.Val571Ala (NM_001127231.3); short protein forms V571A.
Identifiers: ClinVar variation 1696705 (VCV001696705.1), dbSNP rs2129557711, ClinGen allele CA367669194.